The following is an entry in ClinVar:

NM_198578.4(LRRK2):c.227G>A (p.Ser76Asn)

Gene: LRRK2 (leucine rich repeat kinase 2; plus strand). Cytogenetic location: 12q12.
Variant type: single nucleotide variant.
Coding change: c.227G>A on transcript NM_198578.4 (MANE Select); coding-DNA position 227, G replaced by A.
Protein change: p.Ser76Asn; replaces serine 76 with asparagine.
Molecular consequence: missense variant.
Genome position (GRCh38, 1-based): chr12:40,225,630, G>A. VCF-style: chr12-40225630-G-A. GRCh37 (hg19) VCF-style: chr12-40619432-G-A.
Other names: short protein forms S76N.
Identifiers: ClinVar variation 1788918 (VCV001788918.2), dbSNP rs2499336467, ClinGen allele CA384399469.
Genomic context (GRCh38, chr12:40,225,630, plus strand): 5'-AAGGCAAAAATATCCATGTGCCTCTGTTGATCGTCTTGGACTCCTATATGAGAGTCGCGA[G>A]TGTGCAGCAGGTAAAGGCATTGTTTTCACTTCAACTCATTCTCCCTTCTGTTTGGAAGGA-3'
Protein context (NP_940980.4, residues 66-86): IVLDSYMRVA[Ser76Asn]VQQVGWSLLC

ClinVar aggregate classification (germline): Uncertain significance (1 of 4 stars; one submission).

Conditions:
Inborn genetic diseases. Identifiers: MedGen C0950123, MeSH D030342.

Submission:

Ambry Genetics
Classification: Uncertain significance for Inborn genetic diseases. Last evaluated: 2022-08-16. Review status: criteria provided, single submitter. Criteria: Ambry Variant Classification Scheme 2023. Collection method: clinical testing. Allele origin: germline.
Comment: The p.S76N variant (also known as c.227G>A), located in coding exon 2 of the LRRK2 gene, results from a G to A substitution at nucleotide position 227. The serine at codon 76 is replaced by asparagine, an amino acid with highly similar properties. This amino acid position is conserved. In addition, this alteration is predicted to be tolerated by in silico analysis. Since supporting evidence is limited at this time, the clinical significance of this alteration remains unclear.